The following is an entry in ClinVar:

ClinVar aggregate classification (germline): Likely pathogenic. Review status: criteria provided, multiple submitters, no conflicts (2 of 4 stars). 2 submissions from 2 submitters: Likely pathogenic (2). Last evaluated 2025-04-17.

Conditions:
Dilated cardiomyopathy 1G (CMD1G). Identifiers: Orphanet 154, MedGen C1858763, MONDO:0011400, OMIM 604145.
Autosomal recessive limb-girdle muscular dystrophy type 2J (LGMDR10). Also called: Limb-girdle muscular dystrophy, type 2J; MUSCULAR DYSTROPHY, LIMB-GIRDLE, AUTOSOMAL RECESSIVE 10. Identifiers: Orphanet 140922, MedGen C1837342, MONDO:0012127, OMIM 608807.

Submissions (2):

Labcorp Genetics (formerly Invitae), Labcorp
Classification: Likely pathogenic for Dilated cardiomyopathy 1G; Autosomal recessive limb-girdle muscular dystrophy type 2J. Last evaluated: 2025-04-17. Review status: criteria provided, single submitter. Criteria: Invitae Variant Classification Sherloc (09022015). Collection method: clinical testing. Allele origin: germline.
Comment: This sequence change creates a premature translational stop signal (p.Arg34091Thrfs*8) in the TTN gene. While this is not anticipated to result in nonsense mediated decay, it is expected to create a truncated TTN protein. This variant is present in population databases (rs751329439, gnomAD 0.0009%). This variant has not been reported in the literature in individuals affected with TTN-related conditions. ClinVar contains an entry for this variant (Variation ID: 1066354). This variant is located in the M band of TTN (PMID: 25589632). Truncating variants in this region have been previously reported in individuals affected with autosomal dominant or autosomal recessive myopathy and muscular dystrophy (PMID: 18948003, 23975875, 24395473). Truncating variants in this region have also been identified in individuals affected with autosomal dominant dilated cardiomyopathy and/or cardio-related conditions (PMID: 27869827, 32964742, internal data). In summary, the currently available evidence indicates that the variant is pathogenic, but additional data are needed to prove that conclusively. Therefore, this variant has been classified as Likely Pathogenic.

GeneDx
Classification: Likely pathogenic. Last evaluated: 2024-04-16. Review status: criteria provided, single submitter. Criteria: GeneDx Variant Classification Process June 2021. Collection method: clinical testing. Allele origin: germline. Affected: yes.
Comment: Frameshift variant predicted to result in protein truncation or nonsense mediated decay in a gene for which loss of function is a known mechanism of disease; Located in the M-line region of TTN in which the majority of loss of function variants have been associated with autosomal recessive titinopathies (PMID: 17444505); Not observed at significant frequency in large population cohorts (gnomAD); Has not been previously published as pathogenic or benign in individuals with a known TTN-related disorder to our knowledge; This variant is associated with the following publications: (PMID: 17444505, 35177841, 31691645)

Literature cited by the submitters: PubMed 25589632 (cited by Labcorp Genetics (formerly Invitae), Labcorp); PubMed 18948003 (cited by Labcorp Genetics (formerly Invitae), Labcorp); PubMed 23975875 (cited by Labcorp Genetics (formerly Invitae), Labcorp); PubMed 24395473 (cited by Labcorp Genetics (formerly Invitae), Labcorp); PubMed 27869827 (cited by Labcorp Genetics (formerly Invitae), Labcorp); PubMed 32964742 (cited by Labcorp Genetics (formerly Invitae), Labcorp).

NM_001267550.2(TTN):c.102269_102270dup (p.Arg34091fs)

Genes: TTN-AS1 (TTN antisense RNA 1; plus strand), TTN (titin; minus strand). Cytogenetic location: 2q31.2.
Variant type: Microsatellite.
Coding change: c.102269_102270dup on transcript NM_001267550.2 (MANE Select); coding-DNA positions 102269 to 102270, 2 bases duplicated (AC; older notation c.102269_102270dupAC).
Protein change: p.Arg34091fs; shifts the reading frame from arginine 34091.
Molecular consequence: frameshift variant.
Genome position (GRCh38, 1-based): chr2:178,534,345-178,534,346, GT duplicated on the plus strand (AC on the coding strand, the reverse complement: TTN is on the minus strand); duplicating any 2 consecutive bases within chr2:178,534,345-178,534,348 gives the same sequence; the c. name uses the placement nearest the transcript's 3' end. VCF-style (leftmost placement, unchanged base first): chr2-178534344-G-GGT. GRCh37 (hg19) VCF-style: chr2-179399071-G-GGT.
Other names: c.97346_97347dup, p.Arg32450fs (NM_001256850.1); c.75074_75075dup, p.Arg25026fs (NM_003319.4); c.94565_94566dup, p.Arg31523fs (NM_133378.4); c.75449_75450dup, p.Arg25151fs (NM_133432.3); c.75650_75651dup, p.Arg25218fs (NM_133437.4); c.102269_102270dup (NM_001267550.1); short protein forms R25026fs, R25151fs, R25218fs, R31523fs, R32450fs, R34091fs.
Identifiers: ClinVar variation 1066354 (VCV001066354.10), dbSNP rs751329439, ClinGen allele CA1985779.